The following is an entry in ClinVar:

Conditions:
Breast-ovarian cancer, familial, susceptibility to, 1 (BROVCA1). Also called: BRCA1 Hereditary Breast and Ovarian Cancer; OVARIAN CANCER, SUSCEPTIBILITY TO. Identifiers: Orphanet 145, MedGen C2676676, MONDO:0011450, OMIM 604370. Disease mechanism: loss of function.

Submission:

Brotman Baty Institute, University of Washington
No classification provided (evidence only). Condition: Breast-ovarian cancer, familial 1. Review status: no classification provided. Collection method: in vitro. Allele origin: not applicable. Functional consequence: functionally_normal.
ClinVar note: "not provided" was previously submitted as the classification for the variant. However, the classification appeared to be based only on an observation of functional data so it was converted to no classification on 2025-07-30.

NM_007294.4(BRCA1):c.5193+15T>C

Gene: BRCA1 (BRCA1 DNA repair associated; minus strand). Cytogenetic location: 17q21.31.
Variant type: single nucleotide variant.
Coding change: c.5193+15T>C on transcript NM_007294.4 (MANE Select); 15 bases into the intron after coding-DNA position 5193, T replaced by C.
Molecular consequence: intron variant.
Genome position (GRCh38, 1-based): chr17:43,063,318, A>G on the plus strand (T>C on the coding strand, the complement: BRCA1 is on the minus strand). VCF-style: chr17-43063318-A-G. GRCh37 (hg19) VCF-style: chr17-41215335-A-G.
Other names: c.1740+15T>C (NM_001408458.1, NM_001408461.1, NM_001408464.1 and 7 more transcripts); c.4302+15T>C (NM_001407967.1); c.4812+15T>C (NM_001407959.1); c.4926+15T>C (NM_001407931.1, NM_001407932.1, NM_001407928.1 and 4 more transcripts); c.5049+15T>C (NM_001407747.1, NM_001407745.1, NM_001407737.1 and 21 more transcripts); c.4809+15T>C (NM_001407962.1, NM_001407960.1); c.1380+15T>C (NM_001408512.1); c.1503+15T>C (NM_001408510.1); and 72 more.
Identifiers: ClinVar variation 865119 (VCV000865119.3), dbSNP rs2051850619, ClinGen allele CA916080010.
Genomic context (GRCh38, chr17:43,063,318, plus strand): 5'-GGAAGGAAGCAAATACATTTTTAACTATATGACTGAATGAATATCTCTGGTTAGTTTGTA[A>G]CATCAAGTACTTACCTCATTCAGCATTTTTCTTTCTTTAATAGACTGGGTCACCCCTAAA-3'